The following is an entry in ClinVar:

ClinVar aggregate classification (germline): Uncertain significance (1 of 4 stars; one submission).

Conditions:
Neurodevelopmental disorder with hypotonia, stereotypic hand movements, and impaired language. Also called: Intellectual disability, autosomal dominant 20. Identifiers: Orphanet 228384, Orphanet 664410, MedGen C3150700, MONDO:0013266, OMIM 613443.

Submission:

Labcorp Genetics (formerly Invitae), Labcorp
Classification: Uncertain significance for Neurodevelopmental disorder with hypotonia, stereotypic hand movements, and impaired language. Last evaluated: 2021-08-06. Review status: criteria provided, single submitter. Criteria: Invitae Variant Classification Sherloc (09022015). Collection method: clinical testing. Allele origin: germline.
Comment: This variant, c.1298_1303dup, results in the insertion of 2 amino acids to the MEF2C protein (p.Gly433_Ser434dup) but otherwise preserves the integrity of the reading frame. This variant is not present in population databases (ExAC no frequency). This variant has not been reported in the literature in individuals with MEF2C-related conditions. Experimental studies and prediction algorithms are not available for this variant, and the functional significance of the affected amino acids is currently unknown. In summary, the available evidence is currently insufficient to determine the role of this variant in disease. Therefore, it has been classified as a Variant of Uncertain Significance.

NM_002397.5(MEF2C):c.1298_1303dup (p.Gly433_Ser434dup)

Genes: MEF2C (myocyte enhancer factor 2C; minus strand), MEF2C-AS2 (MEF2C antisense RNA 2; plus strand). Cytogenetic location: 5q14.3.
Variant type: Duplication.
Coding change: c.1298_1303dup on transcript NM_002397.5 (MANE Select); coding-DNA positions 1298 to 1303, 6 bases duplicated (GGAGCG; older notation c.1298_1303dupGGAGCG).
Protein change: p.Gly433_Ser434dup.
Molecular consequence: inframe insertion. On other transcripts: non-coding transcript variant (1), 3 prime UTR variant (9).
Genome position (GRCh38, 1-based): chr5:88,722,723-88,722,728, CGCTCC duplicated on the plus strand (GGAGCG on the coding strand, the reverse complement: MEF2C is on the minus strand); duplicating any 6 consecutive bases within chr5:88,722,723-88,722,730 gives the same sequence; the c. name uses the placement nearest the transcript's 3' end. VCF-style (leftmost placement, unchanged base first): chr5-88722722-T-TCGCTCC. GRCh37 (hg19) VCF-style: chr5-88018539-T-TCGCTCC.
Other names: c.1268_1273dup, p.Gly423_Ser424dup (NM_001131005.2); c.1328_1333dup, p.Gly443_Ser444dup (NM_001193347.1); c.1130_1135dup, p.Gly377_Ser378dup (NM_001193348.1); c.1058_1063dup, p.Gly353_Ser354dup (NM_001193349.3, NM_001364332.2); c.1298_1303dup, p.Gly433_Ser434dup (NM_001193350.2, NM_001364329.2, NM_001364330.2 and 1 more transcripts); c.1274_1279dup, p.Gly425_Ser426dup (NM_001308002.3, NM_001364333.2); c.1202_1207dup, p.Gly401_Ser402dup (NM_001363581.2, NM_001364334.2, NM_001364335.2 and 2 more transcripts); c.1232_1237dup, p.Gly411_Ser412dup (NM_001364338.2); and 7 more.
Identifiers: ClinVar variation 856830 (VCV000856830.10), dbSNP rs1272732104, ClinGen allele CA815193806.
Genomic context (GRCh38, chr5:88,722,722, plus strand): 5'-TCCGGCGAAGGTCTGGTGAGTCCAATGGGGGAGTGGAATTCGTTCCGGTGATCCTCTCGG[T>TCGCTCC]CGCTCCCGTCGTACGAACTGCTACAGCTGCTCAAGCTGTCAACAGGAGATCTCCCCGCCT-3'